The following is an entry in ClinVar:

NM_001160148.2(DDHD1):c.1842+3A>G

Gene: DDHD1 (DDHD domain containing 1; minus strand). Cytogenetic location: 14q22.1.
Variant type: single nucleotide variant.
Coding change: c.1842+3A>G on transcript NM_001160148.2 (MANE Select); 3 bases into the intron after coding-DNA position 1842, A replaced by G.
Molecular consequence: intron variant.
Genome position (GRCh38, 1-based): chr14:53,061,123, T>C on the plus strand (A>G on the coding strand, the complement: DDHD1 is on the minus strand). VCF-style: chr14-53061123-T-C. GRCh37 (hg19) VCF-style: chr14-53527841-T-C.
Other names: c.1842+3A>G (NM_030637.3); c.1863+3A>G (NM_001160147.2).
Identifiers: ClinVar variation 1447759 (VCV001447759.3), dbSNP rs753506242, ClinGen allele CA7191122.

ClinVar aggregate classification (germline): Uncertain significance (1 of 4 stars; one submission).

Conditions:
Hereditary spastic paraplegia 28. Also called: Spastic paraplegia 28, autosomal recessive. Identifiers: Orphanet 101008, MedGen C1836295, MONDO:0012256, OMIM 609340.

Allele frequency attached by ClinVar (database versions not stated): ExAC 0.00002; gnomAD 0.00005; gnomAD exomes 0.00005 and 0.00013; TOPMed 0.00009.
gnomAD v4.1: 197 of 1,606,868 alleles (0.012%); highest among the groups gnomAD compares: African/African-American, 0.019%; no homozygotes.

Submission:

Labcorp Genetics (formerly Invitae), Labcorp
Classification: Uncertain significance for Hereditary spastic paraplegia 28. Last evaluated: 2022-09-01. Review status: criteria provided, single submitter. Criteria: Invitae Variant Classification Sherloc (09022015). Collection method: clinical testing. Allele origin: germline.
Comment: This sequence change falls in intron 9 of the DDHD1 gene. It does not directly change the encoded amino acid sequence of the DDHD1 protein. It affects a nucleotide within the consensus splice site. This variant is present in population databases (rs753506242, gnomAD 0.03%). This variant has not been reported in the literature in individuals affected with DDHD1-related conditions. ClinVar contains an entry for this variant (Variation ID: 1447759). Variants that disrupt the consensus splice site are a relatively common cause of aberrant splicing (PMID: 17576681, 9536098). Algorithms developed to predict the effect of sequence changes on RNA splicing suggest that this variant is not likely to affect RNA splicing. In summary, the available evidence is currently insufficient to determine the role of this variant in disease. Therefore, it has been classified as a Variant of Uncertain Significance.

Literature cited by the submitters: PubMed 17576681; PubMed 9536098.